The following is an entry in ClinVar:

NM_000492.4(CFTR):c.1763A>T (p.Glu588Val)

Gene: CFTR (CF transmembrane conductance regulator; plus strand). Cytogenetic location: 7q31.2.
Variant type: single nucleotide variant.
Coding change: c.1763A>T on transcript NM_000492.4 (MANE Select); coding-DNA position 1763, A replaced by T.
Protein change: p.Glu588Val; replaces glutamic acid 588 with valine.
Molecular consequence: missense variant.
Genome position (GRCh38, 1-based): chr7:117,590,436, A>T. VCF-style: chr7-117590436-A-T. GRCh37 (hg19) VCF-style: chr7-117230490-A-T.
Other names: short protein forms E588V.
Identifiers: ClinVar variation 53375 (VCV000053375.15), dbSNP rs397508297, ClinGen allele CA326657.
Genomic context (GRCh38, chr7:117,590,436, plus strand): 5'-TGTATTTATTAGACTCTCCTTTTGGATACCTAGATGTTTTAACAGAAAAAGAAATATTTG[A>T]AAGGTATGTTCTTTGAATACCTTACTTATAATGCTCATGCTAAAATAAAAGAAAGACAGA-3'
Protein context (NP_000483.3, residues 578-598): LDVLTEKEIF[Glu588Val]SCVCKLMANK

ClinVar aggregate classification (germline): Conflicting classifications of pathogenicity. Review status: criteria provided, conflicting classifications (1 of 4 stars). 8 submissions from 8 submitters: Pathogenic (1); Likely pathogenic (4); Uncertain significance (1). 2 of the submissions do not count toward it. Last evaluated 2026-02-13.

Conditions:
CFTR-related disorder (CFTR-RD). Also called: CFTR-related disorders; CFTR-related condition. Identifiers: MedGen C5924204, MONDO:7770004.
Cystic fibrosis (CF). Also called: MUCOVISCIDOSIS. Identifiers: Orphanet 586, MedGen C0010674, MONDO:0009061, OMIM 219700. Disease mechanism: loss of function.
Bronchiectasis with or without elevated sweat chloride 1 (BESC1). Also called: Cystic Fibrosis-Like Syndrome. Identifiers: Orphanet 60033, MedGen C2749757, MONDO:0008887, OMIM 211400.

gnomAD v4.1: 1 of 1,600,896 alleles (0.000062%); no homozygotes.

Submissions (8):

Women's Health and Genetics/Laboratory Corporation of America, LabCorp
Classification: Pathogenic for Cystic fibrosis. Last evaluated: 2026-02-13. Review status: criteria provided, single submitter. Criteria: LabCorp Variant Classification Summary - May 2015. Collection method: clinical testing. Allele origin: germline.
Comment: Variant summary: CFTR c.1763A>T (p.Glu588Val) results in a non-conservative amino acid change located in the first ATPase domain (IPR003593) of the encoded protein sequence. Algorithms developed to predict the effect of missense changes on protein structure and function all suggest that this variant is likely to be disruptive. The variant was absent in 249516 control chromosomes (gnomAD). c.1763A>T has been observed in multiple individuals affected with Cystic Fibrosis (e.g. Schrijver_2005, Storm_2007, Trujillano_2013, De Wachter_2017, McCague_2019, Labcorp [formerly Invitae]). These data indicate that the variant is very likely to be associated with disease. Functional studies reported experimental evidence evaluating an impact on protein function and demonstrated that the variant results in about 30% of normal activity (Raraigh_2018, Bihler_2024). The following publications have been ascertained in the context of this evaluation (PMID: 28830496, 23883480, 30888834, 25735457, 29805046, 15858154, 17481968, 23687349, 38388235). ClinVar contains an entry for this variant (Variation ID: 53375). Based on the evidence outlined above, the variant was classified as pathogenic.

Natera, Inc.
Classification: Likely pathogenic for CFTR-related disorders. Last evaluated: 2025-06-23. Review status: criteria provided, single submitter. Criteria: Natera Variant Classification Schema (03/2026). Collection method: clinical testing. Allele origin: germline.
Comment: The c.1763A>T variant in CFTR is a missense variant predicted to cause substitution of glutamic acid to valine at amino acid 588. This variant is rare in the general population with a frequency below the threshold expected for the associated phenotype(s). This variant has been observed in one or more individuals affected with the associated recessive disease, as either homozygous or compound heterozygous with a second variant (PMID: 23687349, 17481968, 15858154). Computational prediction algorithms indicate this variant is likely to affect gene or protein function. Given the available evidence, this variant is classified as Likely Pathogenic.

Ambry Genetics
Classification: Uncertain significance for Cystic fibrosis. Last evaluated: 2024-10-18. Review status: criteria provided, single submitter. Criteria: Ambry Variant Classification Scheme 2023. Collection method: clinical testing. Allele origin: germline.
Comment: The p.E588V variant (also known as c.1763A>T), located in coding exon 13 of the CFTR gene, results from an A to T substitution at nucleotide position 1763. The glutamic acid at codon 588 is replaced by valine, an amino acid with dissimilar properties. This variant has been identified in the homozygous state and/or in conjunction with other CFTR variants in individuals, but clinical details were limited (Storm K, et al. J. Cyst. Fibros. 2007 Nov; 6(6):371-5; Schrijver I, et al. J Mol Diagn. 2005 May; 7(2):289-9; Trujillano et al J Med Genet. 2013;50(7):455-462). Functional studies suggest decreased activity; however, additional evidence is needed to confirm this finding (Raraigh KS et al. Am J Hum Genet, 2018 Jun;102:1062-1077; Bihler H et al. J Cyst Fibros, 2024 Jul;23:664-675). This amino acid position is well conserved in available vertebrate species. In addition, this alteration is predicted to be deleterious by in silico analysis. Since supporting evidence is limited at this time, the clinical significance of this alteration remains unclear.

Baylor Genetics
Classification: Likely pathogenic for Bronchiectasis with or without elevated sweat chloride 1. Last evaluated: 2024-03-19. Review status: criteria provided, single submitter. Criteria: ACMG Guidelines, 2015. Collection method: clinical testing. Allele origin: unknown.

Labcorp Genetics (formerly Invitae), Labcorp
Classification: Likely pathogenic for Cystic fibrosis. Last evaluated: 2023-08-28. Review status: criteria provided, single submitter. Criteria: Invitae Variant Classification Sherloc (09022015). Collection method: clinical testing. Allele origin: germline.
Comment: In summary, the currently available evidence indicates that the variant is pathogenic, but additional data are needed to prove that conclusively. Therefore, this variant has been classified as Likely Pathogenic. Experimental studies have shown that this missense change affects CFTR function (PMID: 29805046). Advanced modeling of protein sequence and biophysical properties (such as structural, functional, and spatial information, amino acid conservation, physicochemical variation, residue mobility, and thermodynamic stability) performed at Invitae indicates that this missense variant is expected to disrupt CFTR protein function. ClinVar contains an entry for this variant (Variation ID: 53375). This missense change has been observed in individuals with clinical features of cystic fibrosis (PMID: 15858154, 17481968, 23687349, 28830496, 30888834; Invitae). This variant is not present in population databases (gnomAD no frequency). This sequence change replaces glutamic acid, which is acidic and polar, with valine, which is neutral and non-polar, at codon 588 of the CFTR protein (p.Glu588Val).

Johns Hopkins Genomics, Johns Hopkins University
Classification: Likely pathogenic for Cystic fibrosis. Last evaluated: 2020-01-29. Review status: criteria provided, single submitter. Criteria: ACMG Guidelines, 2015. Collection method: clinical testing. Allele origin: germline.
Comment: CFTR variant associated with variable clinical consequences. See CFTR2 for phenotype information.

PreventionGenetics, part of Exact Sciences
Classification: Likely pathogenic for CFTR-related condition. Last evaluated: 2024-06-04. Review status: no assertion criteria provided. Collection method: clinical testing. Allele origin: germline. Not counted in ClinVar's aggregate classification.
Comment: The CFTR c.1763A>T variant is predicted to result in the amino acid substitution p.Glu588Val. This variant has been reported in multiple individuals with cystic fibrosis (see for example, Schrijver et al. 2005. PubMed ID: 15858154; Storm et al. 2007. PubMed ID: 17481968; De Wachter et al. 2017. PubMed ID: 28830496). An in vitro experimental study suggests this variant decrease protein function to 27.5% of wildtype-CFTR (Raraigh et al. 2018. PubMed ID: 29805046). This variant has not been reported in a large population database, indicating this variant is rare. This variant is interpreted as likely pathogenic.

ClinVar Staff, National Center for Biotechnology Information (NCBI)
No classification provided. Condition: CFTR-related disorders. Review status: no classification provided. Collection method: literature only. Allele origin: germline. Affected: yes. Not counted in ClinVar's aggregate classification.

Literature cited by the submitters: PubMed 15858154 (cited by 5 submitters); PubMed 23687349 (cited by 3 submitters); PubMed 17481968 (cited by 4 submitters); PubMed 23883480 (cited by Women's Health and Genetics/Laboratory Corporation of America, LabCorp); PubMed 25735457 (cited by Women's Health and Genetics/Laboratory Corporation of America, LabCorp); PubMed 28830496 (cited by Women's Health and Genetics/Laboratory Corporation of America, LabCorp and Labcorp Genetics (formerly Invitae), Labcorp); PubMed 29805046 (cited by 3 submitters); PubMed 30888834 (cited by Women's Health and Genetics/Laboratory Corporation of America, LabCorp and Labcorp Genetics (formerly Invitae), Labcorp); PubMed 38388235 (cited by Women's Health and Genetics/Laboratory Corporation of America, LabCorp and Ambry Genetics).